The following is an entry in ClinVar:

ClinVar aggregate classification (germline): Uncertain significance (1 of 4 stars; one submission).

Conditions:
Pulmonary fibrosis and/or bone marrow failure, telomere-related, 6 (PFBMFT6). Also called: PULMONARY FIBROSIS AND/OR BONE MARROW FAILURE SYNDROME, TELOMERE-RELATED, 6. Identifiers: MedGen C5676927, MONDO:0030690, OMIM 619767.

gnomAD v4.1: 21 of 1,613,580 alleles (0.0013%); highest among the groups gnomAD compares: East Asian, 0.0067%; no homozygotes.

Submission:

St. Jude Molecular Pathology, St. Jude Children's Research Hospital
Classification: Uncertain significance for Pulmonary fibrosis and/or bone marrow failure, telomere-related, 6. Last evaluated: 2026-10-01. Review status: criteria provided, single submitter. Criteria: St. Jude Assertion Criteria 2020. Collection method: clinical testing. Allele origin: germline.
Comment: The RPA1 c.1703G>A p.(Arg568Gln) missense change has a maximum subpopulation frequency of 0.003% in gnomAD v2.1.1. The in silico tool REVEL predicts a benign effect on protein function, but to our knowledge this prediction has not been confirmed by functional studies. To our knowledge, this variant has not been reported in individuals with RPA1- associated conditions. In summary, the evidence currently available is insufficient to determine the clinical significance of this variant. It has therefore been classified as of uncertain significance (VUS-Low).

NM_002945.5(RPA1):c.1703G>A (p.Arg568Gln)

Gene: RPA1 (replication protein A1; plus strand). Cytogenetic location: 17p13.3.
Variant type: single nucleotide variant.
Coding change: c.1703G>A on transcript NM_002945.5 (MANE Select); coding-DNA position 1703, G replaced by A.
Protein change: p.Arg568Gln; replaces arginine 568 with glutamine.
Molecular consequence: missense variant.
Genome position (GRCh38, 1-based): chr17:1,895,052, G>A. VCF-style: chr17-1895052-G-A. GRCh37 (hg19) VCF-style: chr17-1798346-G-A.
Other names: c.1664G>A, p.Arg555Gln (NM_001355120.2); c.1526G>A, p.Arg509Gln (NM_001355121.2); short protein forms R509Q, R555Q, R568Q.
Identifiers: ClinVar variation 5043398 (VCV005043398.1).